The following is an entry in ClinVar:

ClinVar aggregate classification (germline): Pathogenic (1 of 4 stars; one submission).

Conditions:
Ehlers-Danlos syndrome, classic type, 1 (EDSCL1). Also called: EHLERS-DANLOS SYNDROME, GRAVIS TYPE; EHLERS-DANLOS SYNDROME, SEVERE CLASSIC TYPE; Ehlers-Danlos syndrome, type 1; Ehlers-Danlos Syndrome, Classic Type, COL5A1-Related; EDS I. Identifiers: MedGen C0268335, MONDO:0019567, OMIM 130000.

Submission:

Labcorp Genetics (formerly Invitae), Labcorp
Classification: Pathogenic for Ehlers-Danlos syndrome, classic type, 1. Last evaluated: 2023-03-14. Review status: criteria provided, single submitter. Criteria: Invitae Variant Classification Sherloc (09022015). Collection method: clinical testing. Allele origin: germline.
Comment: This sequence change creates a premature translational stop signal (p.Ser578Alafs*4) in the COL5A1 gene. It is expected to result in an absent or disrupted protein product. Loss-of-function variants in COL5A1 are known to be pathogenic (PMID: 23587214). This variant is not present in population databases (gnomAD no frequency). For these reasons, this variant has been classified as Pathogenic. ClinVar contains an entry for this variant (Variation ID: 1413473). This variant has not been reported in the literature in individuals affected with COL5A1-related conditions.

Literature cited by the submitters: PubMed 23587214.

NM_000093.5(COL5A1):c.1728del (p.Ser578fs)

Gene: COL5A1 (collagen type V alpha 1 chain; plus strand). Cytogenetic location: 9q34.3.
Variant type: Deletion.
Coding change: c.1728del on transcript NM_000093.5 (MANE Select); coding-DNA position 1728, one base deleted (T; older notation c.1728delT).
Protein change: p.Ser578fs; shifts the reading frame from serine 578.
Molecular consequence: frameshift variant.
Genome position (GRCh38, 1-based): chr9:134,753,858, T deleted. VCF-style (leftmost placement, unchanged base first): chr9-134753857-CT-C. GRCh37 (hg19) VCF-style: chr9-137645703-CT-C.
Other names: c.1728del, p.Ser578fs (NM_001278074.1); short protein forms S578fs.
Identifiers: ClinVar variation 1413473 (VCV001413473.6), dbSNP rs2132689832, ClinGen allele CA2573144119.